The following is an entry in ClinVar:

ClinVar aggregate classification (germline): Uncertain significance (1 of 4 stars; one submission).

Conditions:
Biotin-responsive basal ganglia disease (BTBGD). Also called: Thiamine Transporter-2 Deficiency; Thiamine metabolism dysfunction syndrome type 2; THIAMINE METABOLISM DYSFUNCTION SYNDROME 2 (BIOTIN- AND THIAMINE-RESPONSIVE TYPE); Thiamine metabolism dysfunction syndrome 2 (biotin- or thiamine-responsive encephalopathy type 2); thiamine-responsive encephalopathy. Identifiers: Orphanet 199348, Orphanet 65284, MedGen C1843807, MONDO:0011841, OMIM 607483.

gnomAD v4.1: 1 of 1,614,242 alleles (0.000062%); highest among the groups gnomAD compares: Non-Finnish European, 0.000085%; no homozygotes.

Submission:

Labcorp Genetics (formerly Invitae), Labcorp
Classification: Uncertain significance for Biotin-responsive basal ganglia disease. Last evaluated: 2022-02-03. Review status: criteria provided, single submitter. Criteria: Invitae Variant Classification Sherloc (09022015). Collection method: clinical testing. Allele origin: germline.
Comment: In summary, the available evidence is currently insufficient to determine the role of this variant in disease. Therefore, it has been classified as a Variant of Uncertain Significance. Advanced modeling of protein sequence and biophysical properties (such as structural, functional, and spatial information, amino acid conservation, physicochemical variation, residue mobility, and thermodynamic stability) performed at Invitae indicates that this missense variant is not expected to disrupt SLC19A3 protein function. ClinVar contains an entry for this variant (Variation ID: 1041700). This variant has not been reported in the literature in individuals affected with SLC19A3-related conditions. This variant is not present in population databases (gnomAD no frequency). This sequence change replaces leucine, which is neutral and non-polar, with phenylalanine, which is neutral and non-polar, at codon 238 of the SLC19A3 protein (p.Leu238Phe).

NM_025243.4(SLC19A3):c.712C>T (p.Leu238Phe)

Gene: SLC19A3 (solute carrier family 19 member 3; minus strand). Cytogenetic location: 2q36.3.
Variant type: single nucleotide variant.
Coding change: c.712C>T on transcript NM_025243.4 (MANE Select); coding-DNA position 712, C replaced by T.
Protein change: p.Leu238Phe; replaces leucine 238 with phenylalanine.
Molecular consequence: missense variant.
Genome position (GRCh38, 1-based): chr2:227,699,003, G>A on the plus strand (C>T on the coding strand, the complement: SLC19A3 is on the minus strand). VCF-style: chr2-227699003-G-A. GRCh37 (hg19) VCF-style: chr2-228563719-G-A.
Other names: c.712C>T, p.Leu238Phe (NM_001371411.1, NM_001371412.1); c.700C>T, p.Leu234Phe (NM_001371413.1, NM_001371414.1); short protein forms L238F, L234F.
Identifiers: ClinVar variation 1041700 (VCV001041700.9), dbSNP rs762519804, ClinGen allele CA350876640.